The following is an entry in ClinVar:

ClinVar aggregate classification (germline): Likely benign (1 of 4 stars; one submission).

gnomAD v4.1: 1 of 1,612,962 alleles (0.000062%); highest among the groups gnomAD compares: Non-Finnish European, 0.000085%; no homozygotes.

Submission:

CeGaT Center for Human Genetics Tuebingen
Classification: Likely benign. Last evaluated: 2026-07-01. Review status: criteria provided, single submitter. Criteria: CeGaT Center For Human Genetics Tuebingen Variant Classification Criteria Version 2. Collection method: clinical testing. Allele origin: germline. Affected: yes. Observed: 1 variant allele.
Comment: PIK3C2G: BP4

NM_001288772.2(PIK3C2G):c.509G>T (p.Gly170Val)

Gene: PIK3C2G (phosphatidylinositol-4-phosphate 3-kinase catalytic subunit type 2 gamma; plus strand). Cytogenetic location: 12p12.3.
Variant type: single nucleotide variant.
Coding change: c.509G>T on transcript NM_001288772.2 (MANE Select); coding-DNA position 509, G replaced by T.
Protein change: p.Gly170Val; replaces glycine 170 with valine.
Molecular consequence: missense variant. On other transcripts: 5 prime UTR variant (1).
Genome position (GRCh38, 1-based): chr12:18,282,590, G>T. VCF-style: chr12-18282590-G-T. GRCh37 (hg19) VCF-style: chr12-18435524-G-T.
Other names: c.-151G>T (NM_001288774.2); c.509G>T, p.Gly170Val (NM_004570.6); short protein forms G170V.
Identifiers: ClinVar variation 5040313 (VCV005040313.1).